The following is an entry in ClinVar:

NM_001135649.3(FOXI3):c.1129G>A (p.Gly377Ser)

Gene: FOXI3 (forkhead box I3; minus strand). Cytogenetic location: 2p11.2.
Variant type: single nucleotide variant.
Coding change: c.1129G>A on transcript NM_001135649.3 (MANE Select); coding-DNA position 1129, G replaced by A.
Protein change: p.Gly377Ser; replaces glycine 377 with serine.
Molecular consequence: missense variant.
Genome position (GRCh38, 1-based): chr2:88,448,341, C>T on the plus strand (G>A on the coding strand, the complement: FOXI3 is on the minus strand). VCF-style: chr2-88448341-C-T. GRCh37 (hg19) VCF-style: chr2-88747860-C-T.
Other names: short protein forms G377S.
Identifiers: ClinVar variation 1517446 (VCV001517446.6), dbSNP rs528789316, ClinGen allele CA1753963.
Genomic context (GRCh38, chr2:88,448,341, plus strand): 5'-GGCTGCTTTGCCCCCCGCTGGTGCTGGCAGGGAAAGGGCTGTAATAGGAAGATCTCTGGC[C>T]GGTGCTATTGCTGGTGCTATTGCTCAGTTGCAAGGTGTCTGCTGAGGCCTCTGAGATGGA-3'
Protein context (NP_001129121.1, residues 367-387): QLSNSTSNST[Gly377Ser]QRSSYYSPFP

ClinVar aggregate classification (germline): Uncertain significance (1 of 4 stars; one submission).

Allele frequency attached by ClinVar (database versions not stated): gnomAD 0.00002 and 0.00005; ExAC 0.00005; TOPMed 0.00011; gnomAD exomes 0.00014; 1000 Genomes Project 0.00020; 1000 Genomes Project 30x 0.00031.
gnomAD v4.1: 64 of 1,551,604 alleles (0.0041%); highest among the groups gnomAD compares: Middle Eastern, 0.067%; no homozygotes.

Submission:

Labcorp Genetics (formerly Invitae), Labcorp
Classification: Uncertain significance. Last evaluated: 2026-01-15. Review status: criteria provided, single submitter. Criteria: Invitae Variant Classification Sherloc (09022015). Collection method: clinical testing. Allele origin: germline.
Comment: This sequence change replaces glycine, which is neutral and non-polar, with serine, which is neutral and polar, at codon 377 of the FOXI3 protein (p.Gly377Ser). This variant is present in population databases (rs528789316, gnomAD 0.07%), and has an allele count higher than expected for a pathogenic variant. This variant has not been reported in the literature in individuals affected with FOXI3-related conditions. ClinVar contains an entry for this variant (Variation ID: 1517446). Experimental studies and prediction algorithms are not available or were not evaluated, and the functional significance of this variant is currently unknown. In summary, the available evidence is currently insufficient to determine the role of this variant in disease. Therefore, it has been classified as a Variant of Uncertain Significance.